The following is an entry in ClinVar:

ClinVar aggregate classification (germline): Uncertain significance (1 of 4 stars; one submission).

Conditions:
Early-infantile DEE. Also called: Early infantile epileptic encephalopathy with suppression bursts; Ohtahara syndrome; Early infantile epileptic encephalopathy. Identifiers: Orphanet 1934, MedGen C0393706, MONDO:0800491.

gnomAD v4.1: 1 of 1,614,080 alleles (0.000062%); highest among the groups gnomAD compares: Non-Finnish European, 0.000085%; no homozygotes.

Submission:

Labcorp Genetics (formerly Invitae), Labcorp
Classification: Uncertain significance for Early-infantile DEE. Last evaluated: 2022-08-13. Review status: criteria provided, single submitter. Criteria: Invitae Variant Classification Sherloc (09022015). Collection method: clinical testing. Allele origin: germline.
Comment: This variant has not been reported in the literature in individuals affected with SCN1A-related conditions. This variant is present in population databases (rs768764142, gnomAD 0.0009%). This sequence change replaces arginine, which is basic and polar, with glycine, which is neutral and non-polar, at codon 560 of the SCN1A protein (p.Arg560Gly). Advanced modeling of protein sequence and biophysical properties (such as structural, functional, and spatial information, amino acid conservation, physicochemical variation, residue mobility, and thermodynamic stability) performed at Invitae indicates that this missense variant is expected to disrupt SCN1A protein function. In summary, the available evidence is currently insufficient to determine the role of this variant in disease. Therefore, it has been classified as a Variant of Uncertain Significance.

NM_001165963.4(SCN1A):c.1678C>G (p.Arg560Gly)

Gene: SCN1A (sodium voltage-gated channel alpha subunit 1; minus strand). Cytogenetic location: 2q24.3.
Variant type: single nucleotide variant.
Coding change: c.1678C>G on transcript NM_001165963.4 (MANE Select); coding-DNA position 1678, C replaced by G.
Protein change: p.Arg560Gly; replaces arginine 560 with glycine.
Molecular consequence: missense variant. On other transcripts: 5 prime UTR variant (1), non-coding transcript variant (1).
Genome position (GRCh38, 1-based): chr2:166,044,034, G>C on the plus strand (C>G on the coding strand, the complement: SCN1A is on the minus strand). VCF-style: chr2-166044034-G-C. GRCh37 (hg19) VCF-style: chr2-166900544-G-C.
Other names: c.1678C>G, p.Arg560Gly (NM_001165964.3, NM_001202435.3, NM_001353948.2 and 7 more transcripts); c.1675C>G, p.Arg559Gly (NM_001353954.2, NM_001353955.2, NM_001353960.2); c.-748C>G (NM_001353961.2); short protein forms R559G, R560G.
Identifiers: ClinVar variation 2079050 (VCV002079050.4), dbSNP rs768764142, ClinGen allele CA1943264.